The following is an entry in ClinVar:

ClinVar aggregate classification (germline): Uncertain significance (1 of 4 stars; one submission).

Conditions:
Hereditary cancer-predisposing syndrome. Also called: Neoplastic Syndromes, Hereditary; Tumor predisposition; Hereditary Cancer Syndrome; Hereditary neoplastic syndrome. Identifiers: Orphanet 140162, MedGen C0027672, MeSH D009386, MONDO:0015356.

Submission:

Ambry Genetics
Classification: Uncertain significance for Hereditary cancer-predisposing syndrome. Last evaluated: 2026-06-05. Review status: criteria provided, single submitter. Criteria: Ambry Variant Classification Scheme 2023. Collection method: clinical testing. Allele origin: germline.
Comment: The c.676-5C>T intronic variant results from a C to T substitution 5 nucleotides upstream from coding exon 8 in the NF2 gene. This nucleotide position is poorly conserved in available vertebrate species. In silico splice site analysis predicts that this alteration will not have any significant effect on splicing. Based on the available evidence, the clinical significance of this variant remains unclear.

NM_000268.4(NF2):c.676-5C>T

Gene: NF2 (NF2, moesin-ezrin-radixin like (MERLIN) tumor suppressor; plus strand). Cytogenetic location: 22q12.2.
Variant type: single nucleotide variant.
Coding change: c.676-5C>T on transcript NM_000268.4 (MANE Select); 5 bases into the intron before coding-DNA position 676, C replaced by T.
Molecular consequence: intron variant.
Genome position (GRCh38, 1-based): chr22:29,661,200, C>T. VCF-style: chr22-29661200-C-T. GRCh37 (hg19) VCF-style: chr22-30057189-C-T.
Other names: c.550-5C>T (NM_001407055.1, NM_181828.3); c.427-5C>T (NM_001407063.1, NM_181830.3, NM_001407064.1 and 1 more transcripts); c.676-5C>T (NM_001407066.1, NM_181825.3, NM_016418.5 and 2 more transcripts); c.562-5C>T (NM_001407056.1, NM_001407053.1); c.445-5C>T (NM_001407067.1); c.142-5C>T (NM_001407065.1); c.675+2936C>T (NM_001407059.1, NM_001407057.1); c.447+18915C>T (NM_181833.3); and 2 more.
Identifiers: ClinVar variation 4861032 (VCV004861032.1).